The following is an entry in ClinVar:

NM_001330588.2(TPP2):c.160A>G (p.Met54Val)

Gene: TPP2 (tripeptidyl peptidase 2; plus strand). Cytogenetic location: 13q33.1.
Variant type: single nucleotide variant.
Coding change: c.160A>G on transcript NM_001330588.2 (MANE Select); coding-DNA position 160, A replaced by G.
Protein change: p.Met54Val; replaces methionine 54 with valine.
Molecular consequence: missense variant. On other transcripts: non-coding transcript variant (1).
Genome position (GRCh38, 1-based): chr13:102,597,198, A>G. VCF-style: chr13-102597198-A-G. GRCh37 (hg19) VCF-style: chr13-103249548-A-G.
Other names: c.160A>G, p.Met54Val (NM_001367947.1, NM_003291.4); short protein forms M54V.
Identifiers: ClinVar variation 2127933 (VCV002127933.4), dbSNP rs1167588785, ClinGen allele CA388676760.
Genomic context (GRCh38, chr13:102,597,198, plus strand): 5'-GATGGGCGGGGGGTGCTCATCGCAGTCCTGGACACGGGGGTCGACCCGGGGGCTCCGGGC[A>G]TGCAGGTGAGGCGGCCCCCGAGGGCCCGGGCGCGGGGGCGCGGGCGGCCGGGGACGCGGG-3'
Protein context (NP_001317517.1, residues 44-64): DTGVDPGAPG[Met54Val]QVTTDGKPKI

ClinVar aggregate classification (germline): Uncertain significance (1 of 4 stars; one submission).

Conditions:
Evans syndrome, immunodeficiency, and premature immunosenescence associated with tripeptidyl-peptidase II deficiency. Identifiers: MedGen CN231723. Disease mechanism: loss of function.

gnomAD v4.1: 2 of 1,473,658 alleles (0.00014%); highest among the groups gnomAD compares: Non-Finnish European, 0.00018%; no homozygotes.

Submission:

Labcorp Genetics (formerly Invitae), Labcorp
Classification: Uncertain significance for Evans syndrome, immunodeficiency, and premature immunosenescence associated with tripeptidyl-peptidase II deficiency. Last evaluated: 2024-04-23. Review status: criteria provided, single submitter. Criteria: Invitae Variant Classification Sherloc (09022015). Collection method: clinical testing. Allele origin: germline.
Comment: This sequence change replaces methionine, which is neutral and non-polar, with valine, which is neutral and non-polar, at codon 54 of the TPP2 protein (p.Met54Val). The frequency data for this variant in the population databases is considered unreliable, as metrics indicate poor data quality at this position in the gnomAD database. This variant has not been reported in the literature in individuals affected with TPP2-related conditions. ClinVar contains an entry for this variant (Variation ID: 2127933). An algorithm developed to predict the effect of missense changes on protein structure and function (PolyPhen-2) suggests that this variant is likely to be tolerated. In summary, the available evidence is currently insufficient to determine the role of this variant in disease. Therefore, it has been classified as a Variant of Uncertain Significance.